The following is an entry in ClinVar:

ClinVar aggregate classification (germline): Conflicting classifications of pathogenicity. Review status: criteria provided, conflicting classifications (1 of 4 stars). 2 submissions from 2 submitters: Uncertain significance (1); Benign (1). Last evaluated 2016-04-14.

Conditions:
Neonatal insulin-dependent diabetes mellitus. Identifiers: MedGen C3278636, HP:0000857.

Allele frequency attached by ClinVar (database versions not stated): TOPMed below 0.00001.

Submissions (2):

Genetic Services Laboratory, University of Chicago
Classification: Uncertain significance. Last evaluated: 2016-04-14. Review status: criteria provided, single submitter. Criteria: ACMG Guidelines, 2015. Collection method: clinical testing. Allele origin: germline. Affected: no.

Clinical Genomics, Uppaluri K&H Personalized Medicine Clinic
Classification: Benign for Neonatal insulin-dependent diabetes mellitus. Review status: criteria provided, single submitter. Criteria: K & H Uppaluri Personalized Medicine Clinic Variant Classification & Assertion Criteria_Updated V.1. Collection method: research. Allele origin: unknown.
Comment: Mutations in INS gene can cause early onset diabetes mellitus which is insulin dependent. May have poor response to sulfonylureas, as this mutation can cause beta cell destruction. However no sufficient evidence is found to ascertain the role of this particular variant rs1554920985, yet.

Literature cited by the submitters: PubMed 11921414 (cited by Clinical Genomics, Uppaluri K&H Personalized Medicine Clinic); PubMed 25542748 (cited by Clinical Genomics, Uppaluri K&H Personalized Medicine Clinic); PubMed 26101329 (cited by Clinical Genomics, Uppaluri K&H Personalized Medicine Clinic); PubMed 18171712 (cited by Clinical Genomics, Uppaluri K&H Personalized Medicine Clinic).

NM_000207.3(INS):c.-17-70G>A

Genes: INS-IGF2 (INS-IGF2 readthrough; minus strand), INS (insulin; minus strand). Cytogenetic location: 11p15.5.
Variant type: single nucleotide variant.
Coding change: c.-17-70G>A on transcript NM_000207.3 (MANE Select); 70 bases into the intron before 17 bases upstream of the start codon, G replaced by A.
Molecular consequence: intron variant. On other transcripts: 5 prime UTR variant (1).
Genome position (GRCh38, 1-based): chr11:2,161,058, C>T on the plus strand (G>A on the coding strand, the complement: INS is on the minus strand). VCF-style: chr11-2161058-C-T. GRCh37 (hg19) VCF-style: chr11-2182288-C-T.
Other names: c.-87G>A (NM_001185098.2); c.-17-70G>A (NM_001042376.3, NM_001185097.2); c.-18+50G>A (NM_001291897.2).
Identifiers: ClinVar variation 435503 (VCV000435503.7), dbSNP rs1554920985, ClinGen allele CA645372507.